The following is an entry in ClinVar:

NM_000718.4(CACNA1B):c.3177C>T (p.Asp1059=)

Gene: CACNA1B (calcium voltage-gated channel subunit alpha1 B; plus strand). Cytogenetic location: 9q34.3.
Variant type: single nucleotide variant.
Coding change: c.3177C>T on transcript NM_000718.4 (MANE Select); coding-DNA position 3177, C replaced by T.
Protein change: p.Asp1059=; no amino-acid change (aspartic acid 1059 retained).
Molecular consequence: synonymous variant.
Genome position (GRCh38, 1-based): chr9:138,025,063, C>T. VCF-style: chr9-138025063-C-T. GRCh37 (hg19) VCF-style: chr9-140919515-C-T.
Other names: c.3177C>T, p.Asp1059= (NM_001243812.2).
Identifiers: ClinVar variation 3605018 (VCV003605018.15).
Genomic context (GRCh38, chr9:138,025,063, plus strand): 5'-CATGCACACACTGCCCAGCACCTGTCTCCAGAAGGTGGAGGAACAGCCAGAGGATGCAGA[C>T]AATCAGCGGAACGTCACTCGCATGGGCAGTCAGCCCCCAGACCCGAACACTATTGTACAT-3'
Protein context (NP_000709.1, residues 1049-1069): QKVEEQPEDA[Asp1059=]NQRNVTRMGS

ClinVar aggregate classification (germline): Likely benign. Review status: criteria provided, multiple submitters, no conflicts (2 of 4 stars). 2 submissions from 2 submitters: Likely benign (2). Last evaluated 2026-09-01.

gnomAD v4.1: 11 of 1,612,306 alleles (0.00068%); highest among the groups gnomAD compares: Admixed American, 0.018%; no homozygotes.

Submissions (2):

CeGaT Center for Human Genetics Tuebingen
Classification: Likely benign. Last evaluated: 2026-09-01. Review status: criteria provided, single submitter. Criteria: CeGaT Center For Human Genetics Tuebingen Variant Classification Criteria Version 2. Collection method: clinical testing. Allele origin: germline. Affected: yes. Observed: 2 variant alleles.
Comment: CACNA1B: BP4, BP7

Labcorp Genetics (formerly Invitae), Labcorp
Classification: Likely benign. Last evaluated: 2025-01-28. Review status: criteria provided, single submitter. Criteria: Invitae Variant Classification Sherloc (09022015). Collection method: clinical testing. Allele origin: germline.